The following is an entry in ClinVar:

NM_000110.4(DPYD):c.2953A>G (p.Thr985Ala)

Gene: DPYD (dihydropyrimidine dehydrogenase; minus strand). Cytogenetic location: 1p21.3.
Variant type: single nucleotide variant.
Coding change: c.2953A>G on transcript NM_000110.4 (MANE Select); coding-DNA position 2953, A replaced by G.
Protein change: p.Thr985Ala; replaces threonine 985 with alanine.
Molecular consequence: missense variant.
Genome position (GRCh38, 1-based): chr1:97,079,101, T>C on the plus strand (A>G on the coding strand, the complement: DPYD is on the minus strand). VCF-style: chr1-97079101-T-C. GRCh37 (hg19) VCF-style: chr1-97544657-T-C.
Other names: short protein forms T985A.
Identifiers: ClinVar variation 5035578 (VCV005035578.1).

ClinVar aggregate classification (germline): Uncertain significance (1 of 4 stars; one submission).

Conditions:
Inborn genetic diseases. Identifiers: MedGen C0950123, MeSH D030342.

gnomAD v4.1: 1 of 1,613,646 alleles (0.000062%); highest among the groups gnomAD compares: African/African-American, 0.0013%; no homozygotes.

Submission:

Ambry Genetics
Classification: Uncertain significance for Inborn genetic diseases. Last evaluated: 2026-06-21. Review status: criteria provided, single submitter. Criteria: Ambry Variant Classification Scheme 2023. Collection method: clinical testing. Allele origin: germline.
Comment: The p.T985A variant (also known as c.2953A>G), located in coding exon 23 of the DPYD gene, results from an A to G substitution at nucleotide position 2953. The threonine at codon 985 is replaced by alanine, an amino acid with similar properties. This amino acid position is conserved. In addition, this alteration is predicted to be tolerated by in silico analysis. Based on the available evidence, the clinical significance of this variant remains unclear.